The following is an entry in ClinVar:

NM_152564.5(VPS13B):c.795_798del (p.Ile266fs)

Gene: VPS13B (vacuolar protein sorting 13 homolog B; plus strand). Cytogenetic location: 8q22.2.
Variant type: Deletion.
Coding change: c.795_798del on transcript NM_152564.5 (MANE Select); coding-DNA positions 795 to 798, 4 bases deleted (TATC; older notation c.795_798delTATC).
Protein change: p.Ile266fs; shifts the reading frame from isoleucine 266.
Molecular consequence: frameshift variant. On other transcripts: non-coding transcript variant (1).
Genome position (GRCh38, 1-based): chr8:99,115,732-99,115,735, TATC deleted; deleting any 4 consecutive bases within chr8:99,115,730-99,115,735 gives the same sequence; the c. name uses the placement nearest the transcript's 3' end. VCF-style (leftmost placement, unchanged base first): chr8-99115729-TTCTA-T. GRCh37 (hg19) VCF-style: chr8-100127957-TTCTA-T.
Other names: c.795_798delTATC (NM_017890.4); c.795_798del, p.Ile266fs (NM_015243.3, NM_017890.5, NM_181661.3); c.795_798del (NM_017890.4); short protein forms I266fs.
Identifiers: ClinVar variation 554080 (VCV000554080.7), dbSNP rs1554622608, ClinGen allele CA658821756.
Genomic context (GRCh38, chr8:99,115,729, plus strand): 5'-TTGTTGGTGTTATGTCTTTTTCAAAATGCAGATTCATACTTTAGTGGAAAGTTTGAAACT[TTCTA>T]TCACAGATCAACAACTGCCTATGTTTATTCGTATAATGCAACTTGGAATTGCTCTTTACT-3'

ClinVar aggregate classification (germline): Pathogenic/Likely pathogenic. Review status: criteria provided, multiple submitters, no conflicts (2 of 4 stars). 3 submissions from 3 submitters: Pathogenic (1); Likely pathogenic (1). 1 of the submissions does not count toward it. Last evaluated 2024-06-12.

Conditions:
Cohen syndrome (COH1). Also called: Cutis verticis gyrata, retinitis pigmentosa, and sensorineural deafness; PEPPER SYNDROME. Identifiers: Orphanet 193, MedGen C0265223, MONDO:0008999, OMIM 216550.

Submissions (3):

Fulgent Genetics
Classification: Likely pathogenic for Cohen syndrome. Last evaluated: 2024-06-12. Review status: criteria provided, single submitter. Criteria: ACMG Guidelines, 2015. Collection method: clinical testing. Allele origin: germline.

Labcorp Genetics (formerly Invitae), Labcorp
Classification: Pathogenic for Cohen syndrome. Last evaluated: 2023-08-29. Review status: criteria provided, single submitter. Criteria: Invitae Variant Classification Sherloc (09022015). Collection method: clinical testing. Allele origin: germline.
Comment: This sequence change creates a premature translational stop signal (p.Ile266Glnfs*11) in the VPS13B gene. It is expected to result in an absent or disrupted protein product. Loss-of-function variants in VPS13B are known to be pathogenic (PMID: 15141358, 16648375, 20461111). This variant is not present in population databases (gnomAD no frequency). For these reasons, this variant has been classified as Pathogenic. Algorithms developed to predict the effect of sequence changes on RNA splicing suggest that this variant may disrupt the consensus splice site. ClinVar contains an entry for this variant (Variation ID: 554080). This variant has not been reported in the literature in individuals affected with VPS13B-related conditions.

Counsyl
Classification: Likely pathogenic for Cohen syndrome. Last evaluated: 2017-09-26. Review status: no assertion criteria provided. Collection method: clinical testing. Allele origin: unknown. Not counted in ClinVar's aggregate classification.

Literature cited by the submitters: PubMed 15141358 (cited by Labcorp Genetics (formerly Invitae), Labcorp); PubMed 16648375 (cited by Labcorp Genetics (formerly Invitae), Labcorp); PubMed 20461111 (cited by Labcorp Genetics (formerly Invitae), Labcorp).